The following is an entry in ClinVar:

NM_001365999.1(SZT2):c.1222C>A (p.Arg408=)

Gene: SZT2 (SZT2 subunit of KICSTOR complex; plus strand). Cytogenetic location: 1p34.2.
Variant type: single nucleotide variant.
Coding change: c.1222C>A on transcript NM_001365999.1 (MANE Select); coding-DNA position 1222, C replaced by A.
Protein change: p.Arg408=; no amino-acid change (arginine 408 retained).
Molecular consequence: synonymous variant.
Genome position (GRCh38, 1-based): chr1:43,420,284, C>A. VCF-style: chr1-43420284-C-A. GRCh37 (hg19) VCF-style: chr1-43885955-C-A.
Other names: c.1222C>A, p.Arg408= (NM_015284.4).
Identifiers: ClinVar variation 665760 (VCV000665760.1), dbSNP rs368908778, ClinGen allele CA417435243.

ClinVar aggregate classification (germline): Uncertain significance (1 of 4 stars; one submission).

gnomAD v4.1: 1 of 1,597,848 alleles (0.000063%); no homozygotes.

Submission:

Labcorp Genetics (formerly Invitae), Labcorp
Classification: Uncertain significance. Last evaluated: 2018-12-10. Review status: criteria provided, single submitter. Criteria: Invitae Variant Classification Sherloc (09022015). Collection method: clinical testing. Allele origin: germline.
Comment: This sequence change affects codon 408 of the SZT2 mRNA. It is a 'silent' change, meaning that it does not change the encoded amino acid sequence of the SZT2 protein. This variant is not present in population databases (ExAC no frequency). This variant has not been reported in the literature in individuals with SZT2-related conditions. Algorithms developed to predict the effect of sequence changes on RNA splicing suggest that this variant may create or strengthen a splice site, but this prediction has not been confirmed by published transcriptional studies. In summary, the available evidence is currently insufficient to determine the role of this variant in disease. Therefore, it has been classified as a Variant of Uncertain Significance.